The following is an entry in ClinVar:

NM_020436.5(SALL4):c.447G>A (p.Ala149=)

Gene: SALL4 (spalt like transcription factor 4; minus strand). Cytogenetic location: 20q13.2.
Variant type: single nucleotide variant.
Coding change: c.447G>A on transcript NM_020436.5 (MANE Select); coding-DNA position 447, G replaced by A.
Protein change: p.Ala149=; no amino-acid change (alanine 149 retained).
Molecular consequence: synonymous variant.
Genome position (GRCh38, 1-based): chr20:51,792,036, C>T on the plus strand (G>A on the coding strand, the complement: SALL4 is on the minus strand). VCF-style: chr20-51792036-C-T. GRCh37 (hg19) VCF-style: chr20-50408575-C-T.
Other names: c.447G>A, p.Ala149= (NM_001318031.2).
Identifiers: ClinVar variation 731397 (VCV000731397.32), dbSNP rs147838161, ClinGen allele CA9912456.

ClinVar aggregate classification (germline): Likely benign. Review status: criteria provided, multiple submitters, no conflicts (2 of 4 stars). 4 submissions from 4 submitters: Likely benign (4). Last evaluated 2023-08-10.

Conditions:
Oculootoradial syndrome (IVIC). Also called: IVIC syndrome; RADIAL RAY DEFECTS, HEARING IMPAIRMENT, EXTERNAL OPHTHALMOPLEGIA, AND THROMBOCYTOPENIA. Identifiers: Orphanet 2307, MedGen C1327918, MONDO:0007836, OMIM 147750.
Duane-radial ray syndrome (DRRS). Also called: Okihiro Syndrome; DR SYNDROME; DUANE ANOMALY WITH RADIAL RAY ABNORMALITIES AND DEAFNESS; Duane-Radial Ray Syndrome/Okihiro Syndrome; ACRORENOOCULAR SYNDROME; Duane-Radial Ray Syndrome (DRRS) / Okihiro Syndrome. Identifiers: Orphanet 93293, Orphanet 959, MedGen C1623209, MONDO:0011812, OMIM 607323. Disease mechanism: gain of function.

Allele frequency attached by ClinVar (database versions not stated): ExAC 0.00005; gnomAD exomes 0.00005 and 0.00006; ESP Exome Variant Server 0.00008; gnomAD 0.00021; TOPMed 0.00028; 1000 Genomes Project 0.00060; 1000 Genomes Project 30x 0.00062.
gnomAD v4.1: 117 of 1,614,186 alleles (0.0072%); highest among the groups gnomAD compares: Admixed American, 0.06%; no homozygotes.

Submissions (4):

Blueprint Genetics
Classification: Likely benign. Last evaluated: 2023-08-10. Review status: criteria provided, single submitter. Criteria: ACMG Guidelines, 2015. Collection method: clinical testing. Allele origin: germline.

Labcorp Genetics (formerly Invitae), Labcorp
Classification: Likely benign for Duane-radial ray syndrome. Last evaluated: 2023-04-11. Review status: criteria provided, single submitter. Criteria: Invitae Variant Classification Sherloc (09022015). Collection method: clinical testing. Allele origin: germline.

CeGaT Center for Human Genetics Tuebingen
Classification: Likely benign. Last evaluated: 2022-05-01. Review status: criteria provided, single submitter. Criteria: CeGaT Center For Human Genetics Tuebingen Variant Classification Criteria Version 2. Collection method: clinical testing. Allele origin: germline. Affected: yes. Observed: 1 variant allele.
Comment: SALL4: BP4, BP7

Fulgent Genetics
Classification: Likely benign for Oculootoradial syndrome; Duane-radial ray syndrome. Last evaluated: 2022-04-30. Review status: criteria provided, single submitter. Criteria: ACMG Guidelines, 2015. Collection method: clinical testing. Allele origin: unknown.